The following is an entry in ClinVar:

ClinVar aggregate classification (germline): Uncertain significance (1 of 4 stars; one submission).

Submission:

Ambry Genetics
Classification: Uncertain significance. Last evaluated: 2025-09-17. Review status: criteria provided, single submitter. Criteria: Ambry Variant Classification Scheme 2023. Collection method: clinical testing. Allele origin: germline.
Comment: The p.L454P variant (also known as c.1361T>C), located in coding exon 8 of the GALNT12 gene, results from a T to C substitution at nucleotide position 1361. The leucine at codon 454 is replaced by proline, an amino acid with similar properties. This amino acid position is conserved. In addition, this alteration is predicted to be tolerated by in silico analysis. Based on the available evidence, the clinical significance of this variant remains unclear.

NM_024642.5(GALNT12):c.1361T>C (p.Leu454Pro)

Gene: GALNT12 (polypeptide N-acetylgalactosaminyltransferase 12; plus strand). Cytogenetic location: 9q22.33.
Variant type: single nucleotide variant.
Coding change: c.1361T>C on transcript NM_024642.5 (MANE Select); coding-DNA position 1361, T replaced by C.
Protein change: p.Leu454Pro; replaces leucine 454 with proline.
Molecular consequence: missense variant.
Genome position (GRCh38, 1-based): chr9:98,844,112, T>C. VCF-style: chr9-98844112-T-C. GRCh37 (hg19) VCF-style: chr9-101606394-T-C.
Other names: short protein forms L454P.
Identifiers: ClinVar variation 4670614 (VCV004670614.1).